The following is an entry in ClinVar:

ClinVar aggregate classification (germline): Uncertain significance (1 of 4 stars; one submission).

Conditions:
Hereditary cancer-predisposing syndrome. Also called: Hereditary neoplastic syndrome; Tumor predisposition; Hereditary Cancer Syndrome; Neoplastic Syndromes, Hereditary. Identifiers: Orphanet 140162, MedGen C0027672, MeSH D009386, MONDO:0015356.

Submission:

Ambry Genetics
Classification: Uncertain significance for Hereditary cancer-predisposing syndrome. Last evaluated: 2023-07-03. Review status: criteria provided, single submitter. Criteria: Ambry Variant Classification Scheme 2023. Collection method: clinical testing. Allele origin: germline.
Comment: The c.5664delG variant, located in coding exon 26 of the DICER1 gene, results from a deletion of one nucleotide at nucleotide position 5664, causing a translational frameshift with a predicted alternate stop codon (p.K1889Nfs*39). This alteration occurs at the 3' terminus of the DICER1 gene, is not expected to trigger nonsense-mediated mRNAdecay and results in the elongation of the protein by 4 amino acids. This frameshift impacts the last 34amino acids of the native protein. The exact functional effect of the altered amino acids is unknown. Since supporting evidence is limited at this time, the clinical significance of this alteration remains unclear.

NM_177438.3(DICER1):c.5664del (p.Lys1889fs)

Gene: DICER1 (dicer 1, ribonuclease III; minus strand). Cytogenetic location: 14q32.13.
Variant type: Deletion.
Coding change: c.5664del on transcript NM_177438.3 (MANE Select); coding-DNA position 5664, one base deleted (G; older notation c.5664delG).
Protein change: p.Lys1889fs; shifts the reading frame from lysine 1889.
Molecular consequence: frameshift variant. On other transcripts: non-coding transcript variant (6), 3 prime UTR variant (1).
Genome position (GRCh38, 1-based): chr14:95,090,603, C deleted on the plus strand (G on the coding strand, the reverse complement: DICER1 is on the minus strand); the first of 4 consecutive C bases (chr14:95,090,603-95,090,606); deleting any one gives the same sequence. VCF-style (leftmost placement, unchanged base first): chr14-95090602-TC-T. GRCh37 (hg19) VCF-style: chr14-95556939-TC-T.
Other names: c.*11del (NM_001195573.1); c.5664del, p.Lys1889fs (NM_001271282.3, NM_001291628.2, NM_001395677.1 and 7 more transcripts); c.5661delG, p.Lys1889Asnfs (NM_001395681.1); c.5382del, p.Lys1795fs (NM_001395686.1); c.5259del, p.Lys1754fs (NM_001395687.1, NM_001395688.1, NM_001395689.1 and 1 more transcripts); c.5097del, p.Lys1700fs (NM_001395691.1); c.3981del, p.Lys1328fs (NM_001395697.1); c.5664delG (NM_177438.2); short protein forms K1795fs, K1328fs, K1700fs, K1754fs, K1889fs.
Identifiers: ClinVar variation 2586387 (VCV002586387.2), dbSNP rs2542391226, ClinGen allele CA2582341766.